The following is an entry in ClinVar:

ClinVar aggregate classification (germline): Likely benign (1 of 4 stars; one submission).

Allele frequency attached by ClinVar (database versions not stated): TOPMed 0.00006; gnomAD 0.00009; gnomAD exomes 0.00012.
gnomAD v4.1: 40 of 398,588 alleles (0.01%); highest among the groups gnomAD compares: South Asian, 0.15%; no homozygotes.

Submission:

CeGaT Center for Human Genetics Tuebingen
Classification: Likely benign. Last evaluated: 2023-11-01. Review status: criteria provided, single submitter. Criteria: CeGaT Center For Human Genetics Tuebingen Variant Classification Criteria Version 2. Collection method: clinical testing. Allele origin: germline. Affected: yes. Observed: 1 variant allele.
Comment: CIC: BP4, BP7

NM_001386298.1(CIC):c.507C>T (p.Ser169=)

Gene: CIC (capicua transcriptional repressor; plus strand). Cytogenetic location: 19q13.2.
Variant type: single nucleotide variant.
Coding change: c.507C>T on transcript NM_001386298.1 (MANE Select); coding-DNA position 507, C replaced by T.
Protein change: p.Ser169=; no amino-acid change (serine 169 retained).
Molecular consequence: synonymous variant.
Genome position (GRCh38, 1-based): chr19:42,272,290, C>T. VCF-style: chr19-42272290-C-T. GRCh37 (hg19) VCF-style: chr19-42776442-C-T.
Other names: c.507C>T, p.Ser169= (NM_001304815.2, NM_001379480.1, NM_001379482.1 and 1 more transcripts).
Identifiers: ClinVar variation 2672770 (VCV002672770.23), dbSNP rs1054519294, ClinGen allele CA308614585.